The following is an entry in ClinVar:

ClinVar aggregate classification (germline): Uncertain significance. Review status: criteria provided, multiple submitters, no conflicts (2 of 4 stars). 3 submissions from 3 submitters: Uncertain significance (3). Last evaluated 2025-04-22.

Conditions:
Cardiovascular phenotype. Identifiers: MedGen CN230736.

Allele frequency attached by ClinVar (database versions not stated): gnomAD exomes 0.00001 and below 0.00001; ExAC 0.00001; TOPMed 0.00006; gnomAD 0.00004.

Submissions (3):

GeneDx
Classification: Uncertain significance. Last evaluated: 2025-04-22. Review status: criteria provided, single submitter. Criteria: GeneDx Variant Classification Process June 2021. Collection method: clinical testing. Allele origin: germline. Affected: yes.
Comment: Not observed at significant frequency in large population cohorts (gnomAD); Missense variant in a gene in which most reported pathogenic variants are truncating/loss of function; Has not been previously published as pathogenic or benign to our knowledge

Ambry Genetics
Classification: Uncertain significance for Cardiovascular phenotype. Last evaluated: 2018-12-05. Review status: criteria provided, single submitter. Criteria: Ambry Variant Classification Scheme 2023. Collection method: clinical testing. Allele origin: germline.
Comment: The p.V649A variant (also known as c.1946T>C), located in coding exon 12 of the TTN gene, results from a T to C substitution at nucleotide position 1946. The valine at codon 649 is replaced by alanine, an amino acid with similar properties. This amino acid position is not well conserved in available vertebrate species, and alanine is the reference amino acid in other vertebrate species. In addition, this alteration is predicted to be tolerated by in silico analysis. Since supporting evidence is limited at this time, the clinical significance of this alteration remains unclear.

Laboratory for Molecular Medicine, Mass General Brigham Personalized Medicine
Classification: Uncertain significance. Last evaluated: 2013-12-26. Review status: criteria provided, single submitter. Criteria: LMM Criteria. Collection method: clinical testing. Allele origin: germline. Observed: 1 variant allele.
Comment: Variant classified as Uncertain Significance - Favor Benign. The Val695Ala varia nt in TTN has not been reported in individuals with cardiomyopathy and data from large population studies is insufficient to assess the frequency of this varian t. Valine (Val) at position 695 is not conserved in mammals or across evolutiona rily distant species, and several other mammals have an alanine (Ala) at this po sition, suggesting that this change can be tolerated. Computational analyses (bi ochemical amino acid properties, conservation, AlignGVGD, PolyPhen2, and SIFT) s uggest that the Val695Ala variant may not impact the protein, though this inform ation is not predictive enough to rule out pathogenicity. Although this data sup ports that the Val695Ala variant may be benign, additional studies are needed to fully assess its clinical significance.

NM_001267550.2(TTN):c.2084T>C (p.Val695Ala)

Gene: TTN (titin; minus strand). Cytogenetic location: 2q31.2.
Variant type: single nucleotide variant.
Coding change: c.2084T>C on transcript NM_001267550.2 (MANE Select); coding-DNA position 2084, T replaced by C.
Protein change: p.Val695Ala; replaces valine 695 with alanine.
Molecular consequence: missense variant.
Genome position (GRCh38, 1-based): chr2:178,786,134, A>G on the plus strand (T>C on the coding strand, the complement: TTN is on the minus strand). VCF-style: chr2-178786134-A-G. GRCh37 (hg19) VCF-style: chr2-179650861-A-G.
Other names: c.2084T>C, p.Val695Ala (NM_001256850.1, NM_133379.5, NM_133378.4); c.1946T>C, p.Val649Ala (NM_003319.4, NM_133432.3, NM_133437.4); c.2084T>C (NM_001267550.1); short protein forms V695A, V649A.
Identifiers: ClinVar variation 166341 (VCV000166341.8), dbSNP rs727503702, ClinGen allele CA179391.
Genomic context (GRCh38, chr2:178,786,134, plus strand): 5'-CTGACTCGGGCCTGGTCTACTGCAGCAACAACTGTTGCTACAGCTTCAGCCTTTTTTCCA[A>G]CGTCCACCTGGAGACAAGGTTTCCAGAATTAATACATAGGAATATCGAGATCAGGCTGGA-3'
Protein context (NP_001254479.2, residues 685-705): QIQVTHGKVD[Val695Ala]GKKAEAVATV